The following is an entry in ClinVar:

NM_000548.5(TSC2):c.4935dup (p.Val1646fs)

Gene: TSC2 (TSC complex subunit 2; plus strand). Cytogenetic location: 16p13.3.
Variant type: Duplication.
Coding change: c.4935dup on transcript NM_000548.5 (MANE Select); coding-DNA position 4935, one base duplicated (T; older notation c.4935dupT).
Protein change: p.Val1646fs; shifts the reading frame from valine 1646.
Molecular consequence: frameshift variant.
Genome position (GRCh38, 1-based): chr16:2,086,817, T duplicated; the last of 3 consecutive T bases (chr16:2,086,815-2,086,817); duplicating any one gives the same sequence. VCF-style (leftmost placement, unchanged base first): chr16-2086814-C-CT. GRCh37 (hg19) VCF-style: chr16-2136815-C-CT.
Other names: c.4734dup, p.Val1579fs (NM_001077183.3); c.4866dup, p.Val1623fs (NM_001114382.3); c.4626dup, p.Val1543fs (NM_001318827.2); c.4590dup, p.Val1531fs (NM_001318829.2); c.4203dup, p.Val1402fs (NM_001318831.2); c.4767dup, p.Val1590fs (NM_001318832.2); c.4737dup, p.Val1580fs (NM_001363528.2); c.4803dup, p.Val1602fs (NM_001370404.1); and 1 more; short protein forms V1402fs, V1579fs, V1580fs, V1602fs, V1531fs, V1543fs, V1590fs, V1603fs.
Identifiers: ClinVar variation 65134 (VCV000065134.12), dbSNP rs137854141, ClinGen allele CA021342.
Genomic context (GRCh38, chr16:2,086,814, plus strand): 5'-GATGCCCACCAAGGACGTGGACAAGCACCGCTGCGACAAGAAGCGCCACCTGGGCAACGA[C>CT]TTTGTGTCCATTGTCTACAATGACTCCGGTGAGGACTTCAAGCTTGGCACCATCAAGGTG-3'

ClinVar aggregate classification (germline): Pathogenic. Review status: criteria provided, multiple submitters, no conflicts (2 of 4 stars). 3 submissions from 3 submitters: Pathogenic (2). 1 of the submissions does not count toward it. Last evaluated 2026-04-14.

Conditions:
Tuberous sclerosis syndrome (TSC). Also called: Tuberous Sclerosis Complex; Tuberous sclerosis. Identifiers: Orphanet 805, MedGen C0041341, MONDO:0001734.
Tuberous sclerosis 2 (TSC2). Identifiers: Orphanet 805, MedGen C1860707, MONDO:0013199, OMIM 613254.

Submissions (3):

GeneDx
Classification: Pathogenic. Last evaluated: 2026-04-14. Review status: criteria provided, single submitter. Criteria: GeneDx Variant Classification Process June 2021. Collection method: clinical testing. Allele origin: germline.
Comment: Frameshift variant predicted to result in protein truncation or nonsense mediated decay in a gene for which loss of function is a known mechanism of disease; Not observed at significant frequency in large population cohorts (gnomAD); Published functional studies suggest this variant leads to reduced protein expression, but the truncated protein demonstrated initial stability (PMID: 41710647); This variant is associated with the following publications: (PMID: 38225666, 21520333, 41710647, 25782670)

Labcorp Genetics (formerly Invitae), Labcorp
Classification: Pathogenic for Tuberous sclerosis 2. Last evaluated: 2020-09-06. Review status: criteria provided, single submitter. Criteria: Invitae Variant Classification Sherloc (09022015). Collection method: clinical testing. Allele origin: germline.
Comment: For these reasons, this variant has been classified as Pathogenic. Loss-of-function variants in TSC2 are known to be pathogenic (PMID: 10205261, 17304050). This variant has been observed in several individuals affected with tuberous sclerosis complex (PMID: 21520333, Invitae database). ClinVar contains an entry for this variant (Variation ID: 65134). This variant is not present in population databases (ExAC no frequency). This sequence change creates a premature translational stop signal (p.Val1646Cysfs*7) in the TSC2 gene. It is expected to result in an absent or disrupted protein product.

Tuberous sclerosis database (TSC2)
No classification provided. Condition: TSC. Review status: no classification provided. Criteria: Tuberous Sclerosis Database Assertion Criteria 2015. Collection method: curation. Allele origin: germline. Affected: yes. Not counted in ClinVar's aggregate classification.

Literature cited by the submitters: PubMed 10205261 (cited by Labcorp Genetics (formerly Invitae), Labcorp); PubMed 17304050 (cited by Labcorp Genetics (formerly Invitae), Labcorp); PubMed 21520333 (cited by Labcorp Genetics (formerly Invitae), Labcorp).